The following is an entry in ClinVar:

ClinVar aggregate classification (germline): Uncertain significance. Review status: criteria provided, single submitter (1 of 4 stars). 2 submissions from 2 submitters: Uncertain significance (1). 1 of the submissions does not count toward it. Last evaluated 2021-08-13.

Conditions:
Familial Mediterranean fever (FMF). Also called: POLYSEROSITIS, FAMILIAL PAROXYSMAL; POLYSEROSITIS, RECURRENT; Periodic peritonitis; Benign paroxysmal peritonitis. Identifiers: Orphanet 342, MedGen C0031069, MONDO:0018088, OMIM 249100. Disease mechanism: gain of function.

Allele frequency attached by ClinVar (database versions not stated): gnomAD exomes below 0.00001; TOPMed below 0.00001.
gnomAD v4.1: 2 of 1,614,250 alleles (0.00012%); highest among the groups gnomAD compares: Non-Finnish European, 0.00017%; no homozygotes.

Submissions (2):

Labcorp Genetics (formerly Invitae), Labcorp
Classification: Uncertain significance for Familial Mediterranean fever. Last evaluated: 2021-08-13. Review status: criteria provided, single submitter. Criteria: Invitae Variant Classification Sherloc (09022015). Collection method: clinical testing. Allele origin: germline.
Comment: This sequence change replaces lysine with asparagine at codon 237 of the MEFV protein (p.Lys237Asn). The lysine residue is weakly conserved and there is a moderate physicochemical difference between lysine and asparagine. This variant is not present in population databases (ExAC no frequency). This variant has not been reported in the literature in individuals affected with MEFV-related conditions. Algorithms developed to predict the effect of missense changes on protein structure and function are either unavailable or do not agree on the potential impact of this missense change (SIFT: "Deleterious"; PolyPhen-2: "Benign"; Align-GVGD: "Class C0"). In summary, the available evidence is currently insufficient to determine the role of this variant in disease. Therefore, it has been classified as a Variant of Uncertain Significance.

Natera, Inc.
Classification: Uncertain significance for Familial Mediterranean fever. Last evaluated: 2020-03-10. Review status: no assertion criteria provided. Collection method: clinical testing. Allele origin: germline. Not counted in ClinVar's aggregate classification.

NM_000243.3(MEFV):c.711G>T (p.Lys237Asn)

Gene: MEFV (MEFV innate immunity regulator, pyrin; minus strand). Cytogenetic location: 16p13.3.
Variant type: single nucleotide variant.
Coding change: c.711G>T on transcript NM_000243.3 (MANE Select); coding-DNA position 711, G replaced by T.
Protein change: p.Lys237Asn; replaces lysine 237 with asparagine.
Molecular consequence: missense variant. On other transcripts: intron variant (1).
Genome position (GRCh38, 1-based): chr16:3,254,357, C>A on the plus strand (G>T on the coding strand, the complement: MEFV is on the minus strand). VCF-style: chr16-3254357-C-A. GRCh37 (hg19) VCF-style: chr16-3304357-C-A.
Other names: c.277+1954G>T (NM_001198536.2); short protein forms K237N.
Identifiers: ClinVar variation 1041542 (VCV001041542.10), dbSNP rs1053594972, ClinGen allele CA276902347.
Genomic context (GRCh38, chr16:3,254,357, plus strand): 5'-TGGATTTGCGGGCGCCTTCTCCCCTGTAGAAATGGTGACCTCAAGGCTTCTAGGTCGCAT[C>A]TTTCCCGAGGGCAGGTACACTTCGAAGGGCCTGCACTCCTTCTGCCCCGGGGCGCCCCCC-3'
Protein context (NP_000234.1, residues 227-247): RPFEVYLPSG[Lys237Asn]MRPRSLEVTI